The following is an entry in ClinVar:

NM_001365088.1(SLC12A6):c.3228-2_3228-1del

Gene: SLC12A6 (solute carrier family 12 member 6; minus strand). Cytogenetic location: 15q14.
Variant type: Deletion.
Coding change: c.3228-2_3228-1del on transcript NM_001365088.1 (MANE Select); the canonical splice acceptor site of the intron before coding-DNA position 3228, 2 bases deleted (AG; older notation c.3228-2_3228-1delAG).
Molecular consequence: splice acceptor variant.
Genome position (GRCh38, 1-based): chr15:34,235,315-34,235,316, CT deleted on the plus strand (AG on the coding strand, the reverse complement: SLC12A6 is on the minus strand). VCF-style (leftmost placement, unchanged base first): chr15-34235314-CCT-C. GRCh37 (hg19) VCF-style: chr15-34527515-CCT-C.
Other names: c.3051-2_3051-1del (NM_001042495.2, NM_001042494.2); c.3201-2_3201-1del (NM_001042496.2); c.3183-2_3183-1del (NM_001042497.2); c.3228-2_3228-1del (NM_133647.2); c.3075-2_3075-1del (NM_005135.2).
Identifiers: ClinVar variation 1496170 (VCV001496170.8), dbSNP rs1444227608, ClinGen allele CA617184580.

ClinVar aggregate classification (germline): Likely pathogenic (1 of 4 stars; one submission).

Allele frequency attached by ClinVar (database versions not stated): gnomAD exomes below 0.00001.

Submission:

Labcorp Genetics (formerly Invitae), Labcorp
Classification: Likely pathogenic. Last evaluated: 2021-04-21. Review status: criteria provided, single submitter. Criteria: Invitae Variant Classification Sherloc (09022015). Collection method: clinical testing. Allele origin: germline.
Comment: This variant has not been reported in the literature in individuals with SLC12A6-related conditions. In summary, the currently available evidence indicates that the variant is pathogenic, but additional data are needed to prove that conclusively. Therefore, this variant has been classified as Likely Pathogenic. Algorithms developed to predict the effect of sequence changes on RNA splicing suggest that this variant may disrupt the consensus splice site, but this prediction has not been confirmed by published transcriptional studies. This variant is not present in population databases (ExAC no frequency). This sequence change affects a splice site in intron 23 of the SLC12A6 gene. It is expected to disrupt RNA splicing. Variants that disrupt the donor or acceptor splice site typically lead to a loss of protein function (PMID: 16199547), and loss-of-function variants in SLC12A6 are known to be pathogenic (PMID: 12368912, 16606917).

Literature cited by the submitters: PubMed 16199547; PubMed 12368912; PubMed 16606917.